The following is an entry in ClinVar:

ClinVar aggregate classification (germline): Pathogenic (1 of 4 stars; one submission).

Conditions:
Familial focal epilepsy with variable foci (FPEVF). Identifiers: Orphanet 98820, MedGen C1858477, MONDO:0020310.

Submission:

Labcorp Genetics (formerly Invitae), Labcorp
Classification: Pathogenic for Familial focal epilepsy with variable foci. Last evaluated: 2020-10-23. Review status: criteria provided, single submitter. Criteria: Invitae Variant Classification Sherloc (09022015). Collection method: clinical testing. Allele origin: germline.
Comment: For these reasons, this variant has been classified as Pathogenic. This variant disrupts the C-terminus of the DEPDC5 protein. Other variant(s) that disrupt this region (p.Asp1565*) have been determined to be pathogenic (PMID: 28549235). This suggests that variants that disrupt this region of the protein are likely to be causative of disease. This variant has not been reported in the literature in individuals with DEPDC5-related conditions. This variant is not present in population databases (ExAC no frequency). This sequence change creates a premature translational stop signal (p.Trp1558Alafs*8) in the DEPDC5 gene. While this is not anticipated to result in nonsense mediated decay, it is expected to disrupt the last 46 amino acid(s) of the DEPDC5 protein.

Literature cited by the submitters: PubMed 28549235.

NM_001242896.3(DEPDC5):c.4671_4672del (p.Trp1558fs)

Gene: DEPDC5 (DEP domain containing 5, GATOR1 subcomplex subunit; plus strand). Cytogenetic location: 22q12.3.
Variant type: Deletion.
Coding change: c.4671_4672del on transcript NM_001242896.3 (MANE Select); coding-DNA positions 4671 to 4672, 2 bases deleted (AT; older notation c.4671_4672delAT).
Protein change: p.Trp1558fs; shifts the reading frame from tryptophan 1558.
Molecular consequence: frameshift variant. On other transcripts: non-coding transcript variant (5).
Genome position (GRCh38, 1-based): chr22:31,906,356-31,906,357, AT deleted. VCF-style (leftmost placement, unchanged base first): chr22-31906355-CAT-C. GRCh37 (hg19) VCF-style: chr22-32302341-CAT-C.
Other names: c.4644_4645del, p.Trp1549fs (NM_001136029.4); c.4371_4372del, p.Trp1458fs (NM_001242897.2); c.4605_4606del, p.Trp1536fs (NM_001363852.2, NM_001364320.2); c.4437_4438del, p.Trp1480fs (NM_001363854.2, NM_001364319.2); c.4671_4672del, p.Trp1558fs (NM_001364318.2); c.4587_4588del, p.Trp1530fs (NM_001369901.1, NM_001369902.1); c.4578_4579del, p.Trp1527fs (NM_001369903.1, NM_014662.6); short protein forms W1458fs, W1480fs, W1527fs, W1530fs, W1536fs, W1549fs, W1558fs.
Identifiers: ClinVar variation 1070712 (VCV001070712.9), dbSNP rs2149449522, ClinGen allele CA2499226154.